The following is an entry in ClinVar:

NM_181552.4(CUX1):c.268+1G>A

Gene: CUX1 (cut like homeobox 1; plus strand). Cytogenetic location: 7q22.1.
Variant type: single nucleotide variant.
Coding change: c.268+1G>A on transcript NM_181552.4 (MANE Select); the canonical splice donor site of the intron after coding-DNA position 268, G replaced by A.
Molecular consequence: splice donor variant.
Genome position (GRCh38, 1-based): chr7:102,070,418, G>A. VCF-style: chr7-102070418-G-A. GRCh37 (hg19) VCF-style: chr7-101713698-G-A.
Other names: c.301+1G>A (NM_001913.5, NM_181500.4, NM_001202545.3 and 1 more transcripts); c.253+1G>A (NM_001202544.3); c.190+1G>A (NM_001202546.3).
Identifiers: ClinVar variation 985488 (VCV000985488.5), dbSNP rs1825996355, ClinGen allele CA368904827.

ClinVar aggregate classification (germline): Likely pathogenic (1 of 4 stars; one submission).

Conditions:
Inborn genetic diseases. Identifiers: MedGen C0950123, MeSH D030342.

Submission:

Ambry Genetics
Classification: Likely pathogenic for Inborn genetic diseases. Last evaluated: 2022-01-19. Review status: criteria provided, single submitter. Criteria: Ambry Variant Classification Scheme 2023. Collection method: clinical testing. Allele origin: germline.
Comment: The c.301+1G>A intronic variant consists of a G to A substitution one nucleotide after exon 4 of the CUX1 gene. Alterations that disrupt the canonical splice site are expected to cause aberrant splicing, resulting in an abnormal protein or a transcript that is subject to nonsense-mediated mRNA decay. This variant was not reported in population-based cohorts in the Genome Aggregation Database (gnomAD). This nucleotide position is highly conserved in available vertebrate species. In silico splice site analysis predicts that this alteration will weaken the native splice donor site and will result in the creation or strengthening of a novel splice donor site. Based on the available evidence, this alteration is classified as likely pathogenic.